The following is an entry in ClinVar:

ClinVar aggregate classification (germline): Uncertain significance (1 of 4 stars; one submission).

Conditions:
Primary ciliary dyskinesia. Also called: Ciliary dyskinesia. Identifiers: Orphanet 244, MedGen C0008780, MONDO:0016575, HP:0012265.

Allele frequency attached by ClinVar (database versions not stated): gnomAD exomes below 0.00001 and 0.00001; ExAC 0.00001; gnomAD 0.00003 and 0.00004; TOPMed 0.00011.
gnomAD v4.1: 21 of 1,612,622 alleles (0.0013%); highest among the groups gnomAD compares: Admixed American, 0.0067%; no homozygotes.

Submission:

Labcorp Genetics (formerly Invitae), Labcorp
Classification: Uncertain significance for Primary ciliary dyskinesia. Last evaluated: 2024-11-22. Review status: criteria provided, single submitter. Criteria: Invitae Variant Classification Sherloc (09022015). Collection method: clinical testing. Allele origin: germline.
Comment: This sequence change replaces threonine, which is neutral and polar, with alanine, which is neutral and non-polar, at codon 4164 of the DNAH5 protein (p.Thr4164Ala). This variant is present in population databases (rs753204839, gnomAD 0.0009%). This variant has not been reported in the literature in individuals affected with DNAH5-related conditions. ClinVar contains an entry for this variant (Variation ID: 1384408). Invitae Evidence Modeling of protein sequence and biophysical properties (such as structural, functional, and spatial information, amino acid conservation, physicochemical variation, residue mobility, and thermodynamic stability) indicates that this missense variant is not expected to disrupt DNAH5 protein function with a negative predictive value of 95%. In summary, the available evidence is currently insufficient to determine the role of this variant in disease. Therefore, it has been classified as a Variant of Uncertain Significance.

NM_001369.3(DNAH5):c.12490A>G (p.Thr4164Ala)

Gene: DNAH5 (dynein axonemal heavy chain 5; minus strand). Cytogenetic location: 5p15.2.
Variant type: single nucleotide variant.
Coding change: c.12490A>G on transcript NM_001369.3 (MANE Select); coding-DNA position 12490, A replaced by G.
Protein change: p.Thr4164Ala; replaces threonine 4164 with alanine.
Molecular consequence: missense variant.
Genome position (GRCh38, 1-based): chr5:13,718,891, T>C on the plus strand (A>G on the coding strand, the complement: DNAH5 is on the minus strand). VCF-style: chr5-13718891-T-C. GRCh37 (hg19) VCF-style: chr5-13719000-T-C.
Other names: short protein forms T4164A.
Identifiers: ClinVar variation 1384408 (VCV001384408.6), dbSNP rs753204839, ClinGen allele CA3201626.